The following is an entry in ClinVar:

ClinVar aggregate classification (germline): Uncertain significance (1 of 4 stars; one submission).

Conditions:
GTP cyclohydrolase I deficiency. Identifiers: MedGen C0268467, MONDO:0100184.
Dystonia 5 (DRD). Also called: GTP Cyclohydrolase 1-Deficient Dopa-Responsive Dystonia; Dystonia, DOPA-responsive, with or without hyperphenylalaninemia; DYT-GCH1; DYSTONIA, PROGRESSIVE, WITH DIURNAL VARIATION; DYSTONIA-PARKINSONISM WITH DIURNAL FLUCTUATION. Identifiers: Orphanet 98808, MedGen C1851920, MONDO:0007495, OMIM 128230.

Allele frequency attached by ClinVar (database versions not stated): gnomAD exomes below 0.00001; gnomAD 0.00001.

Submission:

Labcorp Genetics (formerly Invitae), Labcorp
Classification: Uncertain significance for GTP cyclohydrolase I deficiency; Dystonia 5. Last evaluated: 2023-10-03. Review status: criteria provided, single submitter. Criteria: Invitae Variant Classification Sherloc (09022015). Collection method: clinical testing. Allele origin: germline.
Comment: This sequence change replaces arginine, which is basic and polar, with glutamine, which is neutral and polar, at codon 57 of the GCH1 protein (p.Arg57Gln). This variant is not present in population databases (gnomAD no frequency). This missense change has been observed in individual(s) with Parkinson disease (PMID: 28582483). ClinVar contains an entry for this variant (Variation ID: 2037851). Advanced modeling of protein sequence and biophysical properties (such as structural, functional, and spatial information, amino acid conservation, physicochemical variation, residue mobility, and thermodynamic stability) performed at Invitae indicates that this missense variant is not expected to disrupt GCH1 protein function. In summary, the available evidence is currently insufficient to determine the role of this variant in disease. Therefore, it has been classified as a Variant of Uncertain Significance.

Literature cited by the submitters: PubMed 28582483.

NM_000161.3(GCH1):c.170G>A (p.Arg57Gln)

Gene: GCH1 (GTP cyclohydrolase 1; minus strand). Cytogenetic location: 14q22.2.
Variant type: single nucleotide variant.
Coding change: c.170G>A on transcript NM_000161.3 (MANE Select); coding-DNA position 170, G replaced by A.
Protein change: p.Arg57Gln; replaces arginine 57 with glutamine.
Molecular consequence: missense variant.
Genome position (GRCh38, 1-based): chr14:54,902,494, C>T on the plus strand (G>A on the coding strand, the complement: GCH1 is on the minus strand). VCF-style: chr14-54902494-C-T. GRCh37 (hg19) VCF-style: chr14-55369212-C-T.
Other names: c.170G>A, p.Arg57Gln (NM_001024024.2, NM_001024070.2, NM_001024071.2); short protein forms R57Q.
Identifiers: ClinVar variation 2037851 (VCV002037851.2), dbSNP rs756782285, ClinGen allele CA7193670.
Genomic context (GRCh38, chr14:54,902,494, plus strand): 5'-GACGAGTAGGCGGCTGCCAGGTTAGGGAGGTTCAGCTCGTTATCCTCCTCGCTGCGGGGC[C>T]GCTCGCCCTTCCAGCCGTCCGCGGGCTGCGCGCTCTTGGCCTCGGGCCGCGGGGGCTTCT-3'
Protein context (NP_000152.1, residues 47-67): AQPADGWKGE[Arg57Gln]PRSEEDNELN